The following is an entry in ClinVar:

ClinVar aggregate classification (germline): Uncertain significance (1 of 4 stars; one submission).

Allele frequency attached by ClinVar (database versions not stated): ExAC 0.00001; gnomAD exomes 0.00001; TOPMed 0.00002.

Submission:

Labcorp Genetics (formerly Invitae), Labcorp
Classification: Uncertain significance. Last evaluated: 2021-12-02. Review status: criteria provided, single submitter. Criteria: Invitae Variant Classification Sherloc (09022015). Collection method: clinical testing. Allele origin: germline.
Comment: In summary, the available evidence is currently insufficient to determine the role of this variant in disease. Therefore, it has been classified as a Variant of Uncertain Significance. Algorithms developed to predict the effect of missense changes on protein structure and function (SIFT, PolyPhen-2, Align-GVGD) all suggest that this variant is likely to be disruptive. This variant has not been reported in the literature in individuals affected with FAT1-related conditions. This variant is present in population databases (rs781093382, gnomAD 0.02%). This sequence change replaces alanine, which is neutral and non-polar, with valine, which is neutral and non-polar, at codon 3866 of the FAT1 protein (p.Ala3866Val).

NM_005245.4(FAT1):c.11597C>T (p.Ala3866Val)

Gene: FAT1 (FAT atypical cadherin 1; minus strand). Cytogenetic location: 4q35.2.
Variant type: single nucleotide variant.
Coding change: c.11597C>T on transcript NM_005245.4 (MANE Select); coding-DNA position 11597, C replaced by T.
Protein change: p.Ala3866Val; replaces alanine 3866 with valine.
Molecular consequence: missense variant.
Genome position (GRCh38, 1-based): chr4:186,601,312, G>A on the plus strand (C>T on the coding strand, the complement: FAT1 is on the minus strand). VCF-style: chr4-186601312-G-A. GRCh37 (hg19) VCF-style: chr4-187522466-G-A.
Other names: short protein forms A3866V.
Identifiers: ClinVar variation 1897913 (VCV001897913.5), dbSNP rs781093382, ClinGen allele CA3165056.
Genomic context (GRCh38, chr4:186,601,312, plus strand): 5'-GCTGTGGAGAAACATACCTCCAAGATGCTATAGTCAGTTCCTCGAGCATACATGACAACC[G>A]CATGCGTGGAATATGTTCTGAGCCTCATGGTCAGTTTCATCTCTAATTTGTTTTCATTTT-3'
Protein context (NP_005236.2, residues 3856-3876): TMRLRTYSTH[Ala3866Val]VVMYARGTDY